The following is an entry in ClinVar:

ClinVar aggregate classification (germline): Uncertain significance (1 of 4 stars; one submission).

Conditions:
Wiskott-Aldrich syndrome 2 (WAS2). Also called: WIPF1 DEFICIENCY. Identifiers: Orphanet 906, MedGen C3281001, MONDO:0013779, OMIM 614493.

Allele frequency attached by ClinVar (database versions not stated): gnomAD exomes below 0.00001; ExAC 0.00002.
gnomAD v4.1: 4 of 1,614,148 alleles (0.00025%); highest among the groups gnomAD compares: Non-Finnish European, 0.00025%; no homozygotes.

Submission:

Labcorp Genetics (formerly Invitae), Labcorp
Classification: Uncertain significance for Wiskott-Aldrich syndrome 2. Last evaluated: 2024-02-24. Review status: criteria provided, single submitter. Criteria: Invitae Variant Classification Sherloc (09022015). Collection method: clinical testing. Allele origin: germline.
Comment: This sequence change replaces proline, which is neutral and non-polar, with threonine, which is neutral and polar, at codon 143 of the WIPF1 protein (p.Pro143Thr). This variant is present in population databases (rs753822309, gnomAD 0.004%). This variant has not been reported in the literature in individuals affected with WIPF1-related conditions. ClinVar contains an entry for this variant (Variation ID: 2111703). An algorithm developed to predict the effect of missense changes on protein structure and function (PolyPhen-2) suggests that this variant is likely to be disruptive. In summary, the available evidence is currently insufficient to determine the role of this variant in disease. Therefore, it has been classified as a Variant of Uncertain Significance.

NM_001375834.1(WIPF1):c.427C>A (p.Pro143Thr)

Gene: WIPF1 (WAS/WASL interacting protein family member 1; minus strand). Cytogenetic location: 2q31.1.
Variant type: single nucleotide variant.
Coding change: c.427C>A on transcript NM_001375834.1 (MANE Select); coding-DNA position 427, C replaced by A.
Protein change: p.Pro143Thr; replaces proline 143 with threonine.
Molecular consequence: missense variant. On other transcripts: intron variant (1).
Genome position (GRCh38, 1-based): chr2:174,572,378, G>T on the plus strand (C>A on the coding strand, the complement: WIPF1 is on the minus strand). VCF-style: chr2-174572378-G-T. GRCh37 (hg19) VCF-style: chr2-175437106-G-T.
Other names: c.427C>A, p.Pro143Thr (NM_001077269.1, NM_001375832.1, NM_001375833.1 and 5 more transcripts); c.182-133C>A (NM_001375839.1); short protein forms P143T.
Identifiers: ClinVar variation 2111703 (VCV002111703.4), dbSNP rs753822309, ClinGen allele CA1974128.